The following is an entry in ClinVar:

NM_014915.3(ANKRD26):c.2039C>T (p.Ser680Phe)

Gene: ANKRD26 (ankyrin repeat domain 26; minus strand). Cytogenetic location: 10p12.1.
Variant type: single nucleotide variant.
Coding change: c.2039C>T on transcript NM_014915.3 (MANE Select); coding-DNA position 2039, C replaced by T.
Protein change: p.Ser680Phe; replaces serine 680 with phenylalanine.
Molecular consequence: missense variant.
Genome position (GRCh38, 1-based): chr10:27,043,548, G>A on the plus strand (C>T on the coding strand, the complement: ANKRD26 is on the minus strand). VCF-style: chr10-27043548-G-A. GRCh37 (hg19) VCF-style: chr10-27332477-G-A.
Other names: c.2036C>T, p.Ser679Phe (NM_001256053.2); short protein forms S679F, S680F.
Identifiers: ClinVar variation 2499389 (VCV002499389.5), dbSNP rs370286051, ClinGen allele CA204452966.

ClinVar aggregate classification (germline): Uncertain significance. Review status: criteria provided, multiple submitters, no conflicts (2 of 4 stars). 3 submissions from 3 submitters: Uncertain significance (3). Last evaluated 2025-05-27.

Conditions:
Inborn genetic diseases. Identifiers: MedGen C0950123, MeSH D030342.

Allele frequency attached by ClinVar (database versions not stated): gnomAD 0.00002; TOPMed 0.00002; ESP Exome Variant Server 0.00008; gnomAD exomes 0.00001.

Submissions (3):

Labcorp Genetics (formerly Invitae), Labcorp
Classification: Uncertain significance. Last evaluated: 2025-05-27. Review status: criteria provided, single submitter. Criteria: Invitae Variant Classification Sherloc (09022015). Collection method: clinical testing. Allele origin: germline.
Comment: This sequence change replaces serine, which is neutral and polar, with phenylalanine, which is neutral and non-polar, at codon 680 of the ANKRD26 protein (p.Ser680Phe). This variant is present in population databases (rs370286051, gnomAD 0.01%). This variant has not been reported in the literature in individuals affected with ANKRD26-related conditions. ClinVar contains an entry for this variant (Variation ID: 2499389). An algorithm developed to predict the effect of missense changes on protein structure and function outputs the following: PolyPhen-2: "Possibly Damaging". The phenylalanine amino acid residue is found in multiple mammalian species, which suggests that this missense change does not adversely affect protein function. In summary, the available evidence is currently insufficient to determine the role of this variant in disease. Therefore, it has been classified as a Variant of Uncertain Significance.

Ambry Genetics
Classification: Uncertain significance for Inborn genetic diseases. Last evaluated: 2024-11-24. Review status: criteria provided, single submitter. Criteria: Ambry Variant Classification Scheme 2023. Collection method: clinical testing. Allele origin: germline.
Comment: The p.S680F variant (also known as c.2039C>T), located in coding exon 20 of the ANKRD26 gene, results from a C to T substitution at nucleotide position 2039. The serine at codon 680 is replaced by phenylalanine, an amino acid with highly dissimilar properties. This amino acid position is conserved. In addition, this alteration is predicted to be tolerated by in silico analysis. Based on the available evidence, the clinical significance of this variant remains unclear.

GeneDx
Classification: Uncertain significance. Last evaluated: 2024-05-13. Review status: criteria provided, single submitter. Criteria: GeneDx Variant Classification Process June 2021. Collection method: clinical testing. Allele origin: germline.
Comment: Not observed at significant frequency in large population cohorts (gnomAD); In silico analysis supports that this missense variant does not alter protein structure/function; Has not been previously published as pathogenic or benign to our knowledge